The following is an entry in ClinVar:

NM_007241.4(SNF8):c.501C>A (p.Tyr167Ter)

Gene: SNF8 (SNF8 subunit of ESCRT-II; minus strand). Cytogenetic location: 17q21.32.
Variant type: single nucleotide variant.
Coding change: c.501C>A on transcript NM_007241.4 (MANE Select); coding-DNA position 501, C replaced by A.
Protein change: p.Tyr167Ter; replaces tyrosine 167 with a stop codon.
Molecular consequence: nonsense. On other transcripts: non-coding transcript variant (1).
Genome position (GRCh38, 1-based): chr17:48,933,268, G>T on the plus strand (C>A on the coding strand, the complement: SNF8 is on the minus strand). VCF-style: chr17-48933268-G-T. GRCh37 (hg19) VCF-style: chr17-47010630-G-T.
Other names: c.501C>A, p.Tyr167Ter (NM_001317192.2); c.450C>A, p.Tyr150Ter (NM_001317193.2); c.189C>A, p.Tyr63Ter (NM_001317194.2); short protein forms Y150*, Y167*, Y63*.
Identifiers: ClinVar variation 2664478 (VCV002664478.7), dbSNP rs750828431, ClinGen allele CA8635604.

ClinVar aggregate classification (germline): Pathogenic. Review status: criteria provided, single submitter (1 of 4 stars). 3 submissions from 2 submitters: Pathogenic (1). 2 of the submissions do not count toward it. Last evaluated 2023-12-07.

Conditions:
Developmental and epileptic encephalopathy 115. Identifiers: MedGen C5935604, MONDO:0968946, OMIM 620783.
SNF8-associated disease. Also called: SNF8-associated disorder.

Allele frequency attached by ClinVar (database versions not stated): ExAC 0.00002; gnomAD exomes below 0.00001.
gnomAD v4.1: 1 of 1,614,178 alleles (0.000062%); highest among the groups gnomAD compares: Admixed American, 0.0017%; no homozygotes.

Submissions (3):

Institute of Human Genetics Munich, TUM University Hospital
Classification: Pathogenic for SNF8-associated disorder. Last evaluated: 2023-12-07. Review status: criteria provided, single submitter. Criteria: Classification criteria August 2017. Collection method: clinical testing. Allele origin: maternal. Inheritance: Autosomal recessive inheritance. Affected: yes. Observed: 1 variant allele.

OMIM
Classification: Pathogenic for DEVELOPMENTAL AND EPILEPTIC ENCEPHALOPATHY 115. Last evaluated: 2024-04-10. Review status: no assertion criteria provided. Collection method: literature only. Allele origin: germline. Not counted in ClinVar's aggregate classification.

Institute of Human Genetics Munich, TUM University Hospital
Classification: Pathogenic for SNF8-associated disease. Last evaluated: 2023-12-07. Review status: flagged submission. Criteria: Classification criteria August 2017. Collection method: research. Allele origin: biparental. Affected: yes. Not counted in ClinVar's aggregate classification.
ClinVar note: Reason: This record appears to be redundant with a more recent record from the same submitter.
ClinVar note: Notes: SCV004174808 appears to be redundant with SCV006302727.

Literature cited by the submitters: PubMed 38423010 (cited by OMIM).